The following is an entry in ClinVar:

ClinVar aggregate classification (germline): Uncertain significance (1 of 4 stars; one submission).

Submission:

GeneDx
Classification: Uncertain significance. Last evaluated: 2024-06-02. Review status: criteria provided, single submitter. Criteria: GeneDx Variant Classification Process June 2021. Collection method: clinical testing. Allele origin: germline. Affected: yes.
Comment: Not observed at significant frequency in large population cohorts (gnomAD); In silico analysis indicates that this missense variant does not alter protein structure/function; Has not been previously published as pathogenic or benign to our knowledge

NM_006796.3(AFG3L2):c.2113A>G (p.Ile705Val)

Gene: AFG3L2 (AFG3 like matrix AAA peptidase subunit 2; minus strand). Cytogenetic location: 18p11.21.
Variant type: single nucleotide variant.
Coding change: c.2113A>G on transcript NM_006796.3 (MANE Select); coding-DNA position 2113, A replaced by G.
Protein change: p.Ile705Val; replaces isoleucine 705 with valine.
Molecular consequence: missense variant.
Genome position (GRCh38, 1-based): chr18:12,337,403, T>C on the plus strand (A>G on the coding strand, the complement: AFG3L2 is on the minus strand). VCF-style: chr18-12337403-T-C. GRCh37 (hg19) VCF-style: chr18-12337402-T-C.
Other names: short protein forms I705V.
Identifiers: ClinVar variation 3383882 (VCV003383882.1).